The following is an entry in ClinVar:

NM_001458.5(FLNC):c.5888C>A (p.Thr1963Lys)

Genes: FLNC-AS1 (FLNC antisense RNA 1; minus strand), FLNC (filamin C; plus strand). Cytogenetic location: 7q32.1.
Variant type: single nucleotide variant.
Coding change: c.5888C>A on transcript NM_001458.5 (MANE Select); coding-DNA position 5888, C replaced by A.
Protein change: p.Thr1963Lys; replaces threonine 1963 with lysine.
Molecular consequence: missense variant.
Genome position (GRCh38, 1-based): chr7:128,852,636, C>A. VCF-style: chr7-128852636-C-A. GRCh37 (hg19) VCF-style: chr7-128492690-C-A.
Other names: c.5789C>A, p.Thr1930Lys (NM_001127487.2); short protein forms T1963K, T1930K.
Identifiers: ClinVar variation 848006 (VCV000848006.10), dbSNP rs772580545, ClinGen allele CA369209021.

ClinVar aggregate classification (germline): Uncertain significance (1 of 4 stars; one submission).

Conditions:
Myofibrillar myopathy 5. Also called: Filaminopathy (type); FILAMINOPATHY, AUTOSOMAL DOMINANT. Identifiers: Orphanet 171445, MedGen C1836050, MONDO:0012289, OMIM 609524.
Distal myopathy with posterior leg and anterior hand involvement. Also called: WILLIAMS DISTAL MYOPATHY. Identifiers: Orphanet 63273, MedGen C3279722, MONDO:0013550, OMIM 614065.
Hypertrophic cardiomyopathy 26. Also called: Cardiomyopathy, familial hypertrophic, 26. Identifiers: Orphanet 75249, MedGen C4310749, MONDO:0014883, OMIM 617047.

gnomAD v4.1: 3 of 1,613,312 alleles (0.00019%); highest among the groups gnomAD compares: Non-Finnish European, 0.00025%; no homozygotes.

Submission:

Labcorp Genetics (formerly Invitae), Labcorp
Classification: Uncertain significance for Distal myopathy with posterior leg and anterior hand involvement; Myofibrillar myopathy 5; Hypertrophic cardiomyopathy 26. Last evaluated: 2019-07-06. Review status: criteria provided, single submitter. Criteria: Invitae Variant Classification Sherloc (09022015). Collection method: clinical testing. Allele origin: germline.
Comment: This sequence change replaces threonine with lysine at codon 1963 of the FLNC protein (p.Thr1963Lys). The threonine residue is moderately conserved and there is a moderate physicochemical difference between threonine and lysine. This variant is not present in population databases (ExAC no frequency). This variant has not been reported in the literature in individuals with FLNC-related conditions. Algorithms developed to predict the effect of missense changes on protein structure and function are either unavailable or do not agree on the potential impact of this missense change (SIFT: "Deleterious"; PolyPhen-2: "Benign"; Align-GVGD: "Class C0"). In summary, the available evidence is currently insufficient to determine the role of this variant in disease. Therefore, it has been classified as a Variant of Uncertain Significance.